The following is an entry in ClinVar:

ClinVar aggregate classification (germline): Pathogenic. Review status: criteria provided, multiple submitters, no conflicts (2 of 4 stars). 2 submissions from 2 submitters: Pathogenic (2). Last evaluated 2026-01-26.

Conditions:
Primary ciliary dyskinesia 3. Identifiers: Orphanet 244, MedGen C1837618, MONDO:0012085, OMIM 608644.
Primary ciliary dyskinesia. Also called: Ciliary dyskinesia. Identifiers: Orphanet 244, MedGen C0008780, MONDO:0016575, HP:0012265.

Submissions (2):

Medical and Scientific Branch, Hong Kong Genome Institute
Classification: Pathogenic for Primary ciliary dyskinesia 3. Last evaluated: 2026-01-26. Review status: criteria provided, single submitter. Criteria: ACMG Guidelines, 2015. Collection method: clinical testing. Allele origin: biparental. Affected: yes.

Labcorp Genetics (formerly Invitae), Labcorp
Classification: Pathogenic for Primary ciliary dyskinesia. Last evaluated: 2022-07-11. Review status: criteria provided, single submitter. Criteria: Invitae Variant Classification Sherloc (09022015). Collection method: clinical testing. Allele origin: germline.
Comment: For these reasons, this variant has been classified as Pathogenic. Algorithms developed to predict the effect of sequence changes on RNA splicing suggest that this variant may disrupt the consensus splice site. ClinVar contains an entry for this variant (Variation ID: 968888). This variant has not been reported in the literature in individuals affected with DNAH5-related conditions. This variant is not present in population databases (gnomAD no frequency). This sequence change creates a premature translational stop signal (p.Ser3022*) in the DNAH5 gene. It is expected to result in an absent or disrupted protein product. Loss-of-function variants in DNAH5 are known to be pathogenic (PMID: 11788826, 16627867).

Literature cited by the submitters: PubMed 11788826 (cited by Labcorp Genetics (formerly Invitae), Labcorp); PubMed 16627867 (cited by Labcorp Genetics (formerly Invitae), Labcorp).

NM_001369.3(DNAH5):c.9065C>A (p.Ser3022Ter)

Gene: DNAH5 (dynein axonemal heavy chain 5; minus strand). Cytogenetic location: 5p15.2.
Variant type: single nucleotide variant.
Coding change: c.9065C>A on transcript NM_001369.3 (MANE Select); coding-DNA position 9065, C replaced by A.
Protein change: p.Ser3022Ter; replaces serine 3022 with a stop codon.
Molecular consequence: nonsense.
Genome position (GRCh38, 1-based): chr5:13,777,242, G>T on the plus strand (C>A on the coding strand, the complement: DNAH5 is on the minus strand). VCF-style: chr5-13777242-G-T. GRCh37 (hg19) VCF-style: chr5-13777351-G-T.
Other names: short protein forms S3022*.
Identifiers: ClinVar variation 968888 (VCV000968888.9), dbSNP rs1754226636, ClinGen allele CA359210516.